The following is an entry in ClinVar:

ClinVar aggregate classification (germline): Uncertain significance. Review status: criteria provided, multiple submitters, no conflicts (2 of 4 stars). 2 submissions from 2 submitters: Uncertain significance (2). Last evaluated 2024-04-04.

Conditions:
Inborn genetic diseases. Identifiers: MedGen C0950123, MeSH D030342.

Allele frequency attached by ClinVar (database versions not stated): gnomAD exomes below 0.00001 and 0.00001; ExAC 0.00001; gnomAD 0.00002; TOPMed 0.00002.

Submissions (2):

Ambry Genetics
Classification: Uncertain significance for Inborn genetic diseases. Last evaluated: 2024-04-04. Review status: criteria provided, single submitter. Criteria: Ambry Variant Classification Scheme 2023. Collection method: clinical testing. Allele origin: germline.

Labcorp Genetics (formerly Invitae), Labcorp
Classification: Uncertain significance. Last evaluated: 2021-08-31. Review status: criteria provided, single submitter. Criteria: Invitae Variant Classification Sherloc (09022015). Collection method: clinical testing. Allele origin: germline.
Comment: This sequence change replaces arginine with cysteine at codon 392 of the MESP2 protein (p.Arg392Cys). The arginine residue is weakly conserved and there is a large physicochemical difference between arginine and cysteine. This variant is present in population databases (rs776116878, ExAC 0.006%). This variant has not been reported in the literature in individuals affected with MESP2-related conditions. Algorithms developed to predict the effect of missense changes on protein structure and function (SIFT, PolyPhen-2, Align-GVGD) all suggest that this variant is likely to be tolerated. In summary, the available evidence is currently insufficient to determine the role of this variant in disease. Therefore, it has been classified as a Variant of Uncertain Significance.

NM_001039958.2(MESP2):c.1174C>T (p.Arg392Cys)

Gene: MESP2 (mesoderm posterior bHLH transcription factor 2; plus strand). Cytogenetic location: 15q26.1.
Variant type: single nucleotide variant.
Coding change: c.1174C>T on transcript NM_001039958.2 (MANE Select); coding-DNA position 1174, C replaced by T.
Protein change: p.Arg392Cys; replaces arginine 392 with cysteine.
Molecular consequence: missense variant.
Genome position (GRCh38, 1-based): chr15:89,778,314, C>T. VCF-style: chr15-89778314-C-T. GRCh37 (hg19) VCF-style: chr15-90321545-C-T.
Other names: c.1174C>T (NM_001039958.1); short protein forms R392C.
Identifiers: ClinVar variation 1425454 (VCV001425454.6), dbSNP rs776116878, ClinGen allele CA7730611.